The following is an entry in ClinVar:

ClinVar aggregate classification (germline): Likely benign (1 of 4 stars; one submission).

Conditions:
Familial thoracic aortic aneurysm and aortic dissection (TAAD). Also called: Thoracic aortic aneurysms and dissections. Identifiers: Orphanet 91387, MedGen C4707243, MONDO:0019625.

Allele frequency attached by ClinVar (database versions not stated): gnomAD exomes below 0.00001.
gnomAD v4.1: 2 of 1,614,062 alleles (0.00012%); highest among the groups gnomAD compares: East Asian, 0.0045%; no homozygotes.

Submission:

All of Us Research Program, National Institutes of Health
Classification: Likely benign for Familial thoracic aortic aneurysm and aortic dissection. Last evaluated: 2023-03-07. Review status: criteria provided, single submitter. Criteria: ACMG Guidelines, 2015. Collection method: clinical testing. Allele origin: germline. Inheritance: Autosomal dominant inheritance. Observed: 1 variant allele, 1 heterozygote.
Comment: This study involves interpretation of variants in research participants for the purpose of population health screening. Participant phenotype was not available at the time of variant classification. Additional details can be found in publication PMID: 35346344, PMCID: PMC8962531

NM_002474.3(MYH11):c.4605G>T (p.Arg1535=)

Genes: MYH11 (myosin heavy chain 11; minus strand), NDE1 (nudE neurodevelopment protein 1; plus strand). Cytogenetic location: 16p13.11.
Variant type: single nucleotide variant.
Coding change: c.4605G>T on transcript NM_002474.3 (MANE Select); coding-DNA position 4605, G replaced by T.
Protein change: p.Arg1535=; no amino-acid change (arginine 1535 retained).
Molecular consequence: synonymous variant. On other transcripts: intron variant (2).
Genome position (GRCh38, 1-based): chr16:15,721,025, C>A on the plus strand (G>T on the coding strand, the complement: MYH11 is on the minus strand). VCF-style: chr16-15721025-C-A. GRCh37 (hg19) VCF-style: chr16-15814882-C-A.
Other names: c.4626G>T, p.Arg1542= (NM_001040113.2, NM_001040114.2); c.4605G>T, p.Arg1535= (NM_022844.3); c.948-3166C>A (NM_001143979.2, NM_017668.3).
Identifiers: ClinVar variation 3069745 (VCV003069745.1), dbSNP rs1434248207, ClinGen allele CA494087817.